The following is an entry in ClinVar:

ClinVar aggregate classification (germline): Likely pathogenic. Review status: reviewed by expert panel (3 of 4 stars). 9 submissions from 9 submitters: Likely pathogenic (1). 8 of the submissions do not count toward it. Last evaluated 2026-02-18.

Conditions:
Autosomal recessive limb-girdle muscular dystrophy. Identifiers: Orphanet 102015, MedGen C2931907, MONDO:0015152.
Neuromuscular disease caused by qualitative or quantitative defects of dysferlin. Also called: Dysferlinopathy; Qualitative or quantitative defects of dysferlin. Identifiers: Orphanet 207073, MedGen C2931687, MONDO:0016145.
DYSF-related disorder. Also called: DYSF-related condition; DYSF-related disorders.
Miyoshi muscular dystrophy 1 (MMD1). Identifiers: Orphanet 45448, MedGen C4551973, MONDO:0024545, OMIM 254130.
Autosomal recessive limb-girdle muscular dystrophy type 2B (LGMDR2). Also called: Limb-girdle muscular dystrophy, type 2B; MUSCULAR DYSTROPHY, LIMB-GIRDLE, TYPE 3; MUSCULAR DYSTROPHY, LIMB-GIRDLE, AUTOSOMAL RECESSIVE 2; Limb-Girdle Muscular Dystrophy Type 2B (LGMD2B). Identifiers: Orphanet 268, MedGen C1850889, MONDO:0009676, OMIM 253601.

Allele frequency attached by ClinVar (database versions not stated): gnomAD exomes below 0.00001; gnomAD 0.00001; TOPMed 0.00001.

Submissions (9):

ClinGen Limb Girdle Muscular Dystrophy Variant Curation Expert Panel, ClinGen
Classification: Likely pathogenic for Autosomal recessive limb-girdle muscular dystrophy. Last evaluated: 2026-02-18. Review status: reviewed by expert panel. Criteria: ClinGen LGMD VCEP ACMG Specifications DYSF V2.0.0. Collection method: curation. Allele origin: germline. Inheritance: Autosomal recessive inheritance.
Comment: The NM_003494.4: c.1165G>A variant in the DYSF gene is a missense variant which results in the substitution of glutamic acid to lysine at codon 389, p.(Glu389Lys). This variant is also known as NM_001130987.2: c.1261G>A p.(Glu421Lys). This variant has been identified in at least two individuals with clinical features consistent with limb-girdle muscular dystrophy (PMID: 27647186, 33613410, 34559919; LOVD DYSF_001156), including in unconfirmed phase with a pathogenic variant in one patient (NM_003494.4: c.4003G>A p.(Glu1335Lys) 0.5 pts, PMID: 33613410) (PM3_Supporting). At least one individual with this variant and a second presumed diagnostic DYSF variant exhibited progressive proximal muscle weakness and severely reduced dysferlin protein expression in skeletal muscle, which is highly specific for DYSF-associated LGMD (PMID: 27647186; LOVD Individual #00305668) (PP4_Strong). The Grpmax variant allele frequency in gnomAD v4.1.0 is 0.00004465 (2/44788 East Asian chromosomes), which is less than the ClinGen LGMD VCEP threshold (≤0.0001) (PM2_Supporting). The REVEL score for this variant is 0.488 (PP3 and BP4 not met). In summary, this variant meets criteria to be classified as Likely Pathogenic for autosomal recessive limb-girdle muscular dystrophy based on the ACMG/AMP guidelines as specified by the ClinGen LGMD VCEP (version 2.0.0; 02/18/2026): PM3_Supporting, PP4_Strong, PM2_Supporting.

Myriad Genetics, Inc.
Classification: Likely pathogenic for Autosomal recessive limb-girdle muscular dystrophy. Last evaluated: 2025-12-04. Review status: criteria provided, single submitter. Criteria: Myriad Autosomal Dominant, Autosomal Recessive and X-Linked Classification Criteria (2023). Collection method: clinical testing. Allele origin: unknown. Not counted in ClinVar's aggregate classification.
Comment: NM_003494.3(DYSF):c.1165G>A(E389K) is a missense variant classified as likely pathogenic in the context of dysferlinopathy. E389K has been observed in cases with relevant disease (PMID: 25987458, 27647186, 32337335, 33613410, 34559919, 36319958). Relevant functional assessments of this variant are not available in the literature. E389K has not been observed in referenced population frequency databases. In summary, NM_003494.3(DYSF):c.1165G>A(E389K) is a missense variant that has been observed more frequently in cases with the relevant disease than in healthy populations. Please note: this variant was assessed in the context of healthy population screening.

3billion
Classification: Uncertain significance for DYSF-related disorder. Last evaluated: 2025-07-30. Review status: criteria provided, single submitter. Criteria: ACMG Guidelines, 2015. Collection method: clinical testing. Allele origin: germline. Affected: yes. Not counted in ClinVar's aggregate classification.
Comment: The variant is observed at an extremely low frequency in the gnomAD v4.1.0 dataset (total allele frequency: <0.001%). Predicted Consequence/Location: Missense variant. The same nucleotide change resulting in the same amino acid change has been previously reported to be associated with DYSF-related disorder (PMID: 27647186 /3billion dataset). However, the evidence of pathogenicity is insufficient at this time. A different missense change at the same codon (p.Glu421Gln) has been reported to be associated with DYSF-related disorder (ClinVar ID: VCV002674969 /PMID: 15515206). Therefore, this variant is classified as VUS according to the recommendation of ACMG/AMP guideline.

Natera, Inc.
Classification: Likely pathogenic for Limb-girdle muscular dystrophy type 2B. Last evaluated: 2025-03-29. Review status: criteria provided, single submitter. Criteria: Natera Variant Classification Schema (03/2026). Collection method: clinical testing. Allele origin: germline. Not counted in ClinVar's aggregate classification.
Comment: The c.1165G>A variant in DYSF is a missense variant predicted to cause substitution of glutamic acid to lysine at amino acid 389. This variant is rare in the general population with a frequency below the threshold expected for the associated phenotype(s). This variant has been observed in one or more individuals affected with the associated recessive disease, as either homozygous or compound heterozygous with a second variant (PMID: 36319958, 33613410, 27647186). Computational prediction algorithms indicate this variant is likely to affect gene or protein function. Given the available evidence, this variant is classified as Likely Pathogenic.

Mayo Clinic Laboratories, Mayo Clinic
Classification: Uncertain significance. Last evaluated: 2024-09-05. Review status: criteria provided, single submitter. Criteria: ACMG Guidelines, 2015. Collection method: clinical testing. Allele origin: germline. Observed: 1 variant allele. Not counted in ClinVar's aggregate classification.
Comment: PM2, PM3_supporting

Labcorp Genetics (formerly Invitae), Labcorp
Classification: Uncertain significance for Neuromuscular disease caused by qualitative or quantitative defects of dysferlin. Last evaluated: 2024-05-20. Review status: criteria provided, single submitter. Criteria: Invitae Variant Classification Sherloc (09022015). Collection method: clinical testing. Allele origin: germline. Not counted in ClinVar's aggregate classification.
Comment: This sequence change replaces glutamic acid, which is acidic and polar, with lysine, which is basic and polar, at codon 389 of the DYSF protein (p.Glu389Lys). This variant is not present in population databases (gnomAD no frequency). This missense change has been observed in individual(s) with dysferlinopathy (PMID: 27647186, 33613410, 34559919). ClinVar contains an entry for this variant (Variation ID: 869485). Advanced modeling of protein sequence and biophysical properties (such as structural, functional, and spatial information, amino acid conservation, physicochemical variation, residue mobility, and thermodynamic stability) has been performed at Invitae for this missense variant, however the output from this modeling did not meet the statistical confidence thresholds required to predict the impact of this variant on DYSF protein function. This variant disrupts the p.Glu389 amino acid residue in DYSF. Other variant(s) that disrupt this residue have been observed in individuals with DYSF-related conditions (PMID: 15515206, 27363342), which suggests that this may be a clinically significant amino acid residue. In summary, the available evidence is currently insufficient to determine the role of this variant in disease. Therefore, it has been classified as a Variant of Uncertain Significance.

Baylor Genetics
Classification: Pathogenic for Miyoshi muscular dystrophy 1. Last evaluated: 2023-09-07. Review status: criteria provided, single submitter. Criteria: ACMG Guidelines, 2015. Collection method: clinical testing. Allele origin: unknown. Not counted in ClinVar's aggregate classification.

Neuberg Centre For Genomic Medicine, NCGM
Classification: Likely pathogenic for Miyoshi muscular dystrophy 1. Review status: criteria provided, single submitter. Criteria: ACMG Guidelines, 2015. Collection method: clinical testing. Allele origin: germline. Inheritance: Autosomal recessive inheritance. Affected: yes. Not counted in ClinVar's aggregate classification.
Comment: The amino acid Glu at position 421 is changed to a Lys changing protein sequence and it might alter its composition and physico-chemical properties. This variant is reported as pathogenic in Clinvar. The variant is predicted to be damaging by both SIFT and PolyPhen2. The residue is conserved across species. The amino acid change p.Glu421Lys in DYSF is predicted as conserved by GERP++ and PhyloP across 100 vertebrates. The p.Glu421Lys variant is novel (not in any individuals) in gnomAD Exomes and 1000 Genomes. For these reasons, this variant has been classified as Likely Pathogenic.

Department of Neurology, Guangzhou First People’s Hospital, School of Medicine, South China University of Technology
Classification: Pathogenic. Last evaluated: 2019-07-01. Review status: no assertion criteria provided. Collection method: reference population. Allele origin: unknown. Affected: yes. Not counted in ClinVar's aggregate classification.

Literature cited by the submitters: PubMed 25987458 (cited by Myriad Genetics, Inc.); PubMed 27647186 (cited by 5 submitters); PubMed 32337335 (cited by Myriad Genetics, Inc.); PubMed 33613410 (cited by 4 submitters); PubMed 34559919 (cited by 3 submitters); PubMed 36319958 (cited by Myriad Genetics, Inc. and Natera, Inc.); PubMed 15515206 (cited by 3billion and Labcorp Genetics (formerly Invitae), Labcorp); PubMed 27363342 (cited by Labcorp Genetics (formerly Invitae), Labcorp).

NM_001130987.2(DYSF):c.1261G>A (p.Glu421Lys)

Gene: DYSF (dysferlin; plus strand). Cytogenetic location: 2p13.2.
Variant type: single nucleotide variant.
Coding change: c.1261G>A on transcript NM_001130987.2 (MANE Select); coding-DNA position 1261, G replaced by A.
Protein change: p.Glu421Lys; replaces glutamic acid 421 with lysine.
Molecular consequence: missense variant.
Genome position (GRCh38, 1-based): chr2:71,526,331, G>A. VCF-style: chr2-71526331-G-A. GRCh37 (hg19) VCF-style: chr2-71753461-G-A.
Other names: p.Glu389Lys; NM_001130987.2(DYSF):c.1261G>A; p.Glu421Lys; c.1168G>A, p.Glu390Lys (NM_001130455.2, NM_001130983.2, NM_001130984.2 and 1 more transcripts); c.1165G>A, p.Glu389Lys (NM_001130976.2, NM_001130977.2, NM_001130978.2 and 1 more transcripts); c.1258G>A, p.Glu420Lys (NM_001130979.2, NM_001130980.2, NM_001130981.2); c.1261G>A, p.Glu421Lys (NM_001130982.2, NM_001130985.2); short protein forms E421K, E390K, E420K, E389K.
Identifiers: ClinVar variation 869485 (VCV000869485.15), dbSNP rs778673716, ClinGen allele CA49771569.